The following is an entry in ClinVar:

NM_003458.4(BSN):c.1083G>A (p.Ala361=)

Gene: BSN (bassoon presynaptic cytomatrix protein; plus strand). Cytogenetic location: 3p21.31.
Variant type: single nucleotide variant.
Coding change: c.1083G>A on transcript NM_003458.4 (MANE Select); coding-DNA position 1083, G replaced by A.
Protein change: p.Ala361=; no amino-acid change (alanine 361 retained).
Molecular consequence: synonymous variant.
Genome position (GRCh38, 1-based): chr3:49,642,717, G>A. VCF-style: chr3-49642717-G-A. GRCh37 (hg19) VCF-style: chr3-49680150-G-A.
Identifiers: ClinVar variation 3042095 (VCV003042095.2), dbSNP rs201569483, ClinGen allele CA2399522.

ClinVar aggregate classification (germline): Likely benign (0 of 4 stars; one submission).

Conditions:
BSN-related disorder. Also called: BSN-related condition.

Allele frequency attached by ClinVar (database versions not stated): gnomAD 0.00004; ESP Exome Variant Server 0.00008; gnomAD exomes 0.00008; ExAC 0.00009; TOPMed 0.00012.
gnomAD v4.1: 127 of 1,613,370 alleles (0.0079%); highest among the groups gnomAD compares: Middle Eastern, 1.1%; 1 homozygote.

Submission:

PreventionGenetics, part of Exact Sciences
Classification: Likely benign for BSN-related condition. Last evaluated: 2019-02-26. Review status: no assertion criteria provided. Collection method: clinical testing. Allele origin: germline.
Comment: This variant is classified as likely benign based on ACMG/AMP sequence variant interpretation guidelines (Richards et al. 2015 PMID: 25741868, with internal and published modifications).